The following is an entry in ClinVar:

ClinVar aggregate classification (germline): Uncertain significance (1 of 4 stars; one submission).

Conditions:
Epileptic encephalopathy. Identifiers: MedGen C0543888, HP:0200134.

Submission:

Labcorp Genetics (formerly Invitae), Labcorp
Classification: Uncertain significance for Epileptic encephalopathy. Last evaluated: 2021-02-06. Review status: criteria provided, single submitter. Criteria: Invitae Variant Classification Sherloc (09022015). Collection method: clinical testing. Allele origin: germline.
Comment: This variant is not present in population databases (ExAC no frequency). This sequence change replaces threonine with alanine at codon 2075 of the FASN protein (p.Thr2075Ala). The threonine residue is weakly conserved and there is a small physicochemical difference between threonine and alanine. This variant has not been reported in the literature in individuals with FASN-related conditions. Algorithms developed to predict the effect of missense changes on protein structure and function (SIFT, PolyPhen-2, Align-GVGD) all suggest that this variant is likely to be tolerated, but these predictions have not been confirmed by published functional studies and their clinical significance is uncertain. In summary, the available evidence is currently insufficient to determine the role of this variant in disease. Therefore, it has been classified as a Variant of Uncertain Significance.

NM_004104.5(FASN):c.6223A>G (p.Thr2075Ala)

Gene: FASN (fatty acid synthase; minus strand). Cytogenetic location: 17q25.3.
Variant type: single nucleotide variant.
Coding change: c.6223A>G on transcript NM_004104.5 (MANE Select); coding-DNA position 6223, A replaced by G.
Protein change: p.Thr2075Ala; replaces threonine 2075 with alanine.
Molecular consequence: missense variant.
Genome position (GRCh38, 1-based): chr17:82,081,784, T>C on the plus strand (A>G on the coding strand, the complement: FASN is on the minus strand). VCF-style: chr17-82081784-T-C. GRCh37 (hg19) VCF-style: chr17-80039660-T-C.
Other names: short protein forms T2075A.
Identifiers: ClinVar variation 1508070 (VCV001508070.8), dbSNP rs2144782038, ClinGen allele CA401601414.
Genomic context (GRCh38, chr17:82,081,784, plus strand): 5'-GCACCTCCAGGCAGGACGCCATGCGCTGGGGCAGCGTGCCACTGACGATCGTGTCGTTGG[T>C]GCTCATCGTCTCCACCAAAATGCCCACGTCGCCGATGGCGCCCCACTGCACGGCCAGGCC-3'
Protein context (NP_004095.4, residues 2065-2085): DVGILVETMS[Thr2075Ala]NDTIVSGTLP